The following is an entry in ClinVar:

NM_138420.4(AHNAK2):c.8346C>T (p.Asp2782=)

Gene: AHNAK2 (AHNAK nucleoprotein 2; minus strand). Cytogenetic location: 14q32.33.
Variant type: single nucleotide variant.
Coding change: c.8346C>T on transcript NM_138420.4 (MANE Select); coding-DNA position 8346, C replaced by T.
Protein change: p.Asp2782=; no amino-acid change (aspartic acid 2782 retained).
Molecular consequence: synonymous variant.
Genome position (GRCh38, 1-based): chr14:104,947,105, G>A on the plus strand (C>T on the coding strand, the complement: AHNAK2 is on the minus strand). VCF-style: chr14-104947105-G-A. GRCh37 (hg19) VCF-style: chr14-105413442-G-A.
Other names: c.8046C>T, p.Asp2682= (NM_001350929.2).
Identifiers: ClinVar variation 3025527 (VCV003025527.22), dbSNP rs374954299, ClinGen allele CA7380145.
Genomic context (GRCh38, chr14:104,947,105, plus strand): 5'-GGCCAGGGACAGGTCCCCCTCCAGCCGCGCACCATCCAGCTTTGCTCTCGGGGCCTGGAC[G>A]TCCACCTCCATGCTGGACAGAGACATCTTCACATCGGGGGCTGTCACTTCCGCCTTGGGG-3'
Protein context (NP_612429.2, residues 2772-2792): VKMSLSSMEV[Asp2782=]VQAPRAKLDG

ClinVar aggregate classification (germline): Likely benign (1 of 4 stars; one submission).

Allele frequency attached by ClinVar (database versions not stated): ESP Exome Variant Server 0.00008; gnomAD 0.00014; gnomAD exomes 0.00014; ExAC 0.00015; TOPMed 0.00016; 1000 Genomes Project 0.00020; 1000 Genomes Project 30x 0.00031.
gnomAD v4.1: 240 of 1,612,172 alleles (0.015%); highest among the groups gnomAD compares: Middle Eastern, 0.05%; 2 homozygotes.

Submission:

CeGaT Center for Human Genetics Tuebingen
Classification: Likely benign. Last evaluated: 2024-03-01. Review status: criteria provided, single submitter. Criteria: CeGaT Center For Human Genetics Tuebingen Variant Classification Criteria Version 2. Collection method: clinical testing. Allele origin: germline. Affected: yes. Observed: 1 variant allele.
Comment: AHNAK2: BP4, BP7